The following is an entry in ClinVar:

ClinVar aggregate classification (germline): Pathogenic. Review status: reviewed by expert panel (3 of 4 stars). 2 submissions from 2 submitters: Pathogenic (1). 1 of the submissions does not count toward it. Last evaluated 2025-03-31.

Conditions:
RPE65-related recessive retinopathy. Also called: Recessive RPE65 retinopathy. Identifiers: MedGen CN305526, MONDO:0100368.
Leber congenital amaurosis 2 (LCA2). Also called: Autosomal Recessive RPE65-Related Retinal Degeneration; AMAUROSIS CONGENITA OF LEBER II. Identifiers: Orphanet 65, MedGen C1859844, MONDO:0008765, OMIM 204100. Disease mechanism: loss of function.

Submissions (2):

ClinGen Leber Congenital Amaurosis/early Onset Retinal Dystrophy Variant Curation Expert Panel, ClinGen
Classification: Pathogenic for RPE65-related recessive retinopathy. Last evaluated: 2025-03-31. Review status: reviewed by expert panel. Criteria: ClinGen LCAeoRD ACMG Specifications RPE65 V1.0.0. Collection method: curation. Allele origin: germline. Inheritance: Autosomal recessive inheritance.
Comment: NM_000329.3(RPE65):c.1209_1210insCTGG (p.Glu404LeufsTer4) is a frameshift variant that introduces a premature stop codon into exon 11 of 14, and is predicted to lead to nonsense-mediated decay in a gene in which loss-of-function is an established mechanism of disease (PVS1). This variant is absent from gnomAD v4.1.0 (PM2_Supporting). This variant has also been reported in at least 1 proband with early-onset severe retinal dystrophy who is compound heterozygous with the NM_000329.3(RPE65):c.246-11A>G variant confirmed in trans (1 point, per ClinGen VCEP member), which was previously classified likely pathogenic by the ClinGen LCA/eoRD VCEP (1 total points, PM3). At least one proband harboring this variant has a clinical phenotype including LCA diagnosis (0.5pts), photoattraction (1pt), and a flat ERG from both rods (0.5 pts) and cones (1 pt), which together are not sufficiently specific for RPE65-related recessive retinopathy (3 points, VCEP member-provided data). In summary, this variant meets the criteria to be classified as pathogenic for RPE65-related recessive retinopathy based on the ACMG/AMP criteria applied, as specified by the ClinGen LCA/eoRD VCEP: PVS1, PM2_Supporting, and PM3. (VCEP specifications version 1.0.0; date of approval 09/21/2023).

Laboratory of Genetics in Ophthalmology, Institut Imagine
Classification: Pathogenic for Leber congenital amaurosis 2. Review status: no assertion criteria provided. Collection method: research. Allele origin: inherited. Affected: yes. Observed: 1 variant allele. Not counted in ClinVar's aggregate classification.

Literature cited by the submitters: PubMed 26047050 (cited by Laboratory of Genetics in Ophthalmology, Institut Imagine).

NM_000329.3(RPE65):c.1209_1210insCTGG (p.Glu404fs)

Gene: RPE65 (retinoid isomerohydrolase RPE65; minus strand). Cytogenetic location: 1p31.3.
Variant type: Insertion.
Coding change: c.1209_1210insCTGG on transcript NM_000329.3 (MANE Select); coding-DNA positions 1209 to 1210, CTGG inserted.
Protein change: p.Glu404fs; shifts the reading frame from glutamic acid 404.
Molecular consequence: frameshift variant.
Genome position: GRCh38 VCF-style: chr1-68431504-C-CCCAG. GRCh37 (hg19) VCF-style: chr1-68897187-C-CCCAG.
Other names: NM_000329.3(RPE65):c.1209_1210insCTGG; p.Glu404fs; short protein forms E404fs.
Identifiers: ClinVar variation 973964 (VCV000973964.2), dbSNP rs1645826120, ClinGen allele CA1139655498.